The following is an entry in ClinVar:

NM_001190274.2(FBXO11):c.166C>T (p.Gln56Ter)

Genes: FBXO11 (F-box protein 11; minus strand), LOC100506235 (uncharacterized LOC100506235; plus strand). Cytogenetic location: 2p16.3.
Variant type: single nucleotide variant.
Coding change: c.166C>T on transcript NM_001190274.2 (MANE Select); coding-DNA position 166, C replaced by T.
Protein change: p.Gln56Ter; replaces glutamine 56 with a stop codon.
Molecular consequence: nonsense. On other transcripts: non-coding transcript variant (1).
Genome position (GRCh38, 1-based): chr2:47,905,555, G>A on the plus strand (C>T on the coding strand, the complement: FBXO11 is on the minus strand). VCF-style: chr2-47905555-G-A. GRCh37 (hg19) VCF-style: chr2-48132694-G-A.
Other names: short protein forms Q56*.
Identifiers: ClinVar variation 1709225 (VCV001709225.2), dbSNP rs1678731331, ClinGen allele CA346812595.

ClinVar aggregate classification (germline): Uncertain significance (1 of 4 stars; one submission).

Conditions:
Intellectual developmental disorder with dysmorphic facies and behavioral abnormalities. Identifiers: MedGen C4748135, MONDO:0060760, OMIM 618089.

Allele frequency attached by ClinVar (database versions not stated): gnomAD exomes below 0.00001.
gnomAD v4.1: 1 of 1,244,218 alleles (0.00008%); highest among the groups gnomAD compares: South Asian, 0.0035%; no homozygotes.

Submission:

MGZ Medical Genetics Center
Classification: Uncertain significance for Intellectual developmental disorder with dysmorphic facies and behavioral abnormalities. Last evaluated: 2022-04-01. Review status: criteria provided, single submitter. Criteria: ACMG Guidelines, 2015. Collection method: clinical testing. Allele origin: germline. Affected: yes. Observed: 1 variant allele.
Comment: ACMG criteria applied: PVS1_STR, PM2_SUP